The following is an entry in ClinVar:

NM_000642.3(AGL):c.1118G>A (p.Trp373Ter)

Gene: AGL (amylo-alpha-1,6-glucosidase and 4-alpha-glucanotransferase; plus strand). Cytogenetic location: 1p21.2.
Variant type: single nucleotide variant.
Coding change: c.1118G>A on transcript NM_000642.3 (MANE Select); coding-DNA position 1118, G replaced by A.
Protein change: p.Trp373Ter; replaces tryptophan 373 with a stop codon.
Molecular consequence: nonsense. On other transcripts: intron variant (1).
Genome position (GRCh38, 1-based): chr1:99,875,189, G>A. VCF-style: chr1-99875189-G-A. GRCh37 (hg19) VCF-style: chr1-100340745-G-A.
Other names: c.1118G>A, p.Trp373Ter (NM_000028.3, NM_000643.3, NM_000644.3 and 2 more transcripts); c.1070G>A, p.Trp357Ter (NM_000646.3); c.914G>A, p.Trp305Ter (NM_001425328.1, NM_001425329.1); c.740G>A, p.Trp247Ter (NM_001425332.1); c.1082+379G>A (NM_001425327.1); short protein forms W247*, W305*, W357*, W373*.
Identifiers: ClinVar variation 5011289 (VCV005011289.1).

ClinVar aggregate classification (germline): Pathogenic (1 of 4 stars; one submission).

Conditions:
Glycogen storage disease type III (GSD3). Also called: FORBES DISEASE; Cori disease. Identifiers: Orphanet 366, MedGen C0017922, MONDO:0009291, OMIM 232400.

Submission:

Myriad Genetics, Inc.
Classification: Pathogenic for Glycogen storage disease type III. Last evaluated: 2024-10-07. Review status: criteria provided, single submitter. Criteria: Myriad Autosomal Dominant, Autosomal Recessive and X-Linked Classification Criteria (2023). Collection method: clinical testing. Allele origin: unknown.
Comment: NM_000642.2(AGL):c.1118G>A(W373*) is expected to be pathogenic in the context of glycogen storage disease type III. This variant is predicted to lead to an abnormal or absent protein product due to the creation of a premature termination codon in AGL, a gene where loss-of-function variants are known to be pathogenic. Please note: this variant was assessed in the context of healthy population screening.